The following is an entry in ClinVar:

NM_004608.4(TBX6):c.1148C>A (p.Ser383Ter)

Gene: TBX6 (T-box transcription factor 6; minus strand). Cytogenetic location: 16p11.2.
Variant type: single nucleotide variant.
Coding change: c.1148C>A on transcript NM_004608.4 (MANE Select); coding-DNA position 1148, C replaced by A.
Protein change: p.Ser383Ter; replaces serine 383 with a stop codon.
Molecular consequence: nonsense.
Genome position (GRCh38, 1-based): chr16:30,086,388, G>T on the plus strand (C>A on the coding strand, the complement: TBX6 is on the minus strand). VCF-style: chr16-30086388-G-T. GRCh37 (hg19) VCF-style: chr16-30097709-G-T.
Other names: short protein forms S383*.
Identifiers: ClinVar variation 827682 (VCV000827682.4), dbSNP rs369015359, ClinGen allele CA395512889.

ClinVar aggregate classification (germline): Pathogenic (1 of 4 stars; one submission).

Conditions:
Spondylocostal dysostosis 5 (SCDO5). Also called: SCOLIOSIS, CONGENITAL, WITH OR WITHOUT RIB ANOMALIES. Identifiers: MedGen C4083048, MONDO:0007389, OMIM 122600.

Submission:

Molecular Medicine, University of Pavia
Classification: Pathogenic for Spondylocostal dysostosis 5. Last evaluated: 2020-03-02. Review status: criteria provided, single submitter. Criteria: ACMG Guidelines, 2015. Collection method: clinical testing, research. Allele origin: germline, not applicable. Inheritance: Autosomal recessive inheritance. Affected: yes. Observed: 1 homozygote. Functional consequence: RNA degradation by nonsense-mediated decay.
Comment: The homozygous variant is predicted as pathogenic by the ACMG 2015 guidelines for variant interpretation. The variant is unreported in gnomAD as well as in other databases. Furthermore, LoF variants in the TBX6 gene are known to cause autosomal recessive spondylocostal dysostosis 5.